The following is an entry in ClinVar:

NM_016151.4(TAOK2):c.1158_1169dup (p.Glu392_Gly393insGluGluGluGlu)

Gene: TAOK2 (TAO kinase 2; plus strand). Cytogenetic location: 16p11.2.
Variant type: Duplication.
Coding change: c.1158_1169dup on transcript NM_016151.4 (MANE Select); coding-DNA positions 1158 to 1169, 12 bases duplicated (AGAGGAGGAGGA).
Protein change: p.Glu392_Gly393insGluGluGluGlu.
Molecular consequence: inframe insertion.
Genome position (GRCh38, 1-based): chr16:29,983,230-29,983,241, AGAGGAGGAGGA duplicated; duplicating any 12 consecutive bases within chr16:29,983,219-29,983,241 gives the same sequence; the c. name uses the placement nearest the transcript's 3' end. VCF-style (leftmost placement, unchanged base first): chr16-29983218-G-GGAGGAGGAGGAA. GRCh37 (hg19) VCF-style: chr16-29994539-G-GGAGGAGGAGGAA.
Other names: c.1158_1169dup, p.Glu392_Gly393insGluGluGluGlu (NM_001252043.2, NM_004783.4).
Identifiers: ClinVar variation 4704712 (VCV004704712.1).
Genomic context (GRCh38, chr16:29,983,218, plus strand): 5'-CAGCCAGAGCAGCTCCGTCAACAGCCTAGCAGATGCCTCAGACAACGAGGAAGAGGAGGA[G>GGAGGAGGAGGAA]GAGGAGGAGGAAGAGGAGGAGGAGGAAGAAGGCCCTGAAGCCCGGGAGATGGCCATGATG-3'

ClinVar aggregate classification (germline): Uncertain significance (1 of 4 stars; one submission).

Submission:

Labcorp Genetics (formerly Invitae), Labcorp
Classification: Uncertain significance. Last evaluated: 2025-06-15. Review status: criteria provided, single submitter. Criteria: Invitae Variant Classification Sherloc (09022015). Collection method: clinical testing. Allele origin: germline.
Comment: This variant, c.1158_1169dup, results in the insertion of 4 amino acid(s) of the TAOK2 protein (p.Glu389_Glu392dup), but otherwise preserves the integrity of the reading frame. This variant is not present in population databases (gnomAD no frequency). This variant has not been reported in the literature in individuals affected with TAOK2-related conditions. In summary, the available evidence is currently insufficient to determine the role of this variant in disease. Therefore, it has been classified as a Variant of Uncertain Significance.